The following is an entry in ClinVar:

NM_000138.5(FBN1):c.4952A>G (p.Glu1651Gly)

Gene: FBN1 (fibrillin 1; minus strand). Cytogenetic location: 15q21.1.
Variant type: single nucleotide variant.
Coding change: c.4952A>G on transcript NM_000138.5 (MANE Select); coding-DNA position 4952, A replaced by G.
Protein change: p.Glu1651Gly; replaces glutamic acid 1651 with glycine.
Molecular consequence: missense variant.
Genome position (GRCh38, 1-based): chr15:48,464,012, T>C on the plus strand (A>G on the coding strand, the complement: FBN1 is on the minus strand). VCF-style: chr15-48464012-T-C. GRCh37 (hg19) VCF-style: chr15-48756209-T-C.
Other names: c.4952A>G, p.Glu1651Gly (NM_001406716.1); short protein forms E1651G.
Identifiers: ClinVar variation 3896490 (VCV003896490.3).

ClinVar aggregate classification (germline): Uncertain significance. Review status: criteria provided, multiple submitters, no conflicts (2 of 4 stars). 2 submissions from 2 submitters: Uncertain significance (2). Last evaluated 2025-04-04.

Submissions (2):

Women's Health and Genetics/Laboratory Corporation of America, LabCorp
Classification: Uncertain significance. Last evaluated: 2025-04-04. Review status: criteria provided, single submitter. Criteria: LabCorp Variant Classification Summary - May 2015. Collection method: clinical testing. Allele origin: germline.
Comment: Variant summary: FBN1 c.4952A>G (p.Glu1651Gly) results in a non-conservative amino acid change in the encoded protein sequence. Five of five in-silico tools predict a damaging effect of the variant on protein function. The variant was absent in 251042 control chromosomes. The available data on variant occurrences in the general population are insufficient to allow any conclusion about variant significance. To our knowledge, no occurrence of c.4952A>G in individuals affected with Marfan Syndrome and no experimental evidence demonstrating its impact on protein function have been reported. No submitters have cited clinical-significance assessments for this variant to ClinVar. Based on the evidence outlined above, the variant was classified as uncertain significance.

GeneDx
Classification: Uncertain significance. Last evaluated: 2025-01-30. Review status: criteria provided, single submitter. Criteria: GeneDx Variant Classification Process June 2021. Collection method: clinical testing. Allele origin: germline. Affected: yes.
Comment: Not observed at significant frequency in large population cohorts (gnomAD); In silico analysis supports that this missense variant has a deleterious effect on protein structure/function; Has not been previously published as pathogenic or benign to our knowledge; This variant is associated with the following publications: (PMID: 20591885)